The following is an entry in ClinVar:

NM_172364.5(CACNA2D4):c.2246+2T>G

Gene: CACNA2D4 (calcium voltage-gated channel auxiliary subunit alpha2delta 4; minus strand). Cytogenetic location: 12p13.33.
Variant type: single nucleotide variant.
Coding change: c.2246+2T>G on transcript NM_172364.5 (MANE Select); the canonical splice donor site of the intron after coding-DNA position 2246, T replaced by G.
Molecular consequence: splice donor variant.
Genome position (GRCh38, 1-based): chr12:1,853,949, A>C on the plus strand (T>G on the coding strand, the complement: CACNA2D4 is on the minus strand). VCF-style: chr12-1853949-A-C. GRCh37 (hg19) VCF-style: chr12-1963115-A-C.
Identifiers: ClinVar variation 2091433 (VCV002091433.5), dbSNP rs751072853, ClinGen allele CA6386788.

ClinVar aggregate classification (germline): Conflicting classifications of pathogenicity. Review status: criteria provided, conflicting classifications (1 of 4 stars). 2 submissions from 2 submitters: Likely pathogenic (1); Uncertain significance (1). Last evaluated 2022-02-01.

Conditions:
CACNA2D4-related disorder. Also called: CACNA2D4-related condition.

Allele frequency attached by ClinVar (database versions not stated): gnomAD exomes below 0.00001; ExAC 0.00001.
gnomAD v4.1: 2 of 1,611,704 alleles (0.00012%); highest among the groups gnomAD compares: Admixed American, 0.0033%; no homozygotes.

Submissions (2):

Labcorp Genetics (formerly Invitae), Labcorp
Classification: Uncertain significance. Last evaluated: 2022-02-01. Review status: criteria provided, single submitter. Criteria: Invitae Variant Classification Sherloc (09022015). Collection method: clinical testing. Allele origin: germline.
Comment: This variant has not been reported in the literature in individuals affected with CACNA2D4-related conditions. This variant is present in population databases (rs751072853, gnomAD 0.006%). This sequence change affects a donor splice site in intron 23 of the CACNA2D4 gene. It is expected to disrupt RNA splicing. Variants that disrupt the donor or acceptor splice site typically lead to a loss of protein function (PMID: 16199547), however the current clinical and genetic evidence is not sufficient to establish whether loss-of-function variants in CACNA2D4 cause disease. In summary, the available evidence is currently insufficient to determine the role of this variant in disease. Therefore, it has been classified as a Variant of Uncertain Significance. Algorithms developed to predict the effect of sequence changes on RNA splicing suggest that this variant may disrupt the consensus splice site.

Blueprint Genetics
Classification: Likely pathogenic for CACNA2D4-related disorders. Last evaluated: 2021-09-08. Review status: criteria provided, single submitter. Criteria: ACMG Guidelines, 2015. Collection method: clinical testing. Allele origin: germline. Affected: yes. Observed: 1 variant allele.

Literature cited by the submitters: PubMed 16199547 (cited by Labcorp Genetics (formerly Invitae), Labcorp).